The following is an entry in ClinVar:

ClinVar aggregate classification (germline): Conflicting classifications of pathogenicity. Review status: criteria provided, conflicting classifications (1 of 4 stars). 3 submissions from 3 submitters: Uncertain significance (2); Likely benign (1). Last evaluated 2025-10-03.

Conditions:
Hereditary cancer-predisposing syndrome. Also called: Neoplastic Syndromes, Hereditary; Hereditary Cancer Syndrome; Hereditary neoplastic syndrome; Tumor predisposition. Identifiers: Orphanet 140162, MedGen C0027672, MeSH D009386, MONDO:0015356.
Gastrointestinal stromal tumor. Also called: Gastrointestinal stroma tumor; Gastrointestinal stromal tumor, somatic. Identifiers: Orphanet 44890, MedGen C0238198, MeSH D046152, MONDO:0011719, OMIM 606764, HP:0100723.

Allele frequency attached by ClinVar (database versions not stated): gnomAD exomes below 0.00001 and 0.00001; TOPMed below 0.00001; gnomAD 0.00001.

Submissions (3):

Labcorp Genetics (formerly Invitae), Labcorp
Classification: Uncertain significance for Gastrointestinal stromal tumor. Last evaluated: 2025-10-03. Review status: criteria provided, single submitter. Criteria: Invitae Variant Classification Sherloc (09022015). Collection method: clinical testing. Allele origin: germline.
Comment: This sequence change replaces glutamic acid, which is acidic and polar, with glycine, which is neutral and non-polar, at codon 249 of the KIT protein (p.Glu249Gly). The frequency data for this variant in the population databases is considered unreliable, as metrics indicate poor data quality at this position in the gnomAD database. This variant has not been reported in the literature in individuals affected with KIT-related conditions. ClinVar contains an entry for this variant (Variation ID: 409797). An algorithm developed to predict the effect of missense changes on protein structure and function outputs the following: PolyPhen-2: "Benign". The glycine amino acid residue is found in multiple mammalian species, which suggests that this missense change does not adversely affect protein function. In summary, the available evidence is currently insufficient to determine the role of this variant in disease. Therefore, it has been classified as a Variant of Uncertain Significance.

Ambry Genetics
Classification: Likely benign for Hereditary cancer-predisposing syndrome. Last evaluated: 2025-01-17. Review status: criteria provided, single submitter. Criteria: Ambry Variant Classification Scheme 2023. Collection method: clinical testing. Allele origin: germline.

Baylor Genetics
Classification: Uncertain significance for Gastrointestinal stromal tumor. Last evaluated: 2024-03-24. Review status: criteria provided, single submitter. Criteria: ACMG Guidelines, 2015. Collection method: clinical testing. Allele origin: unknown.

NM_000222.3(KIT):c.746A>G (p.Glu249Gly)

Gene: KIT (KIT proto-oncogene, receptor tyrosine kinase; plus strand). Cytogenetic location: 4q12.
Variant type: single nucleotide variant.
Coding change: c.746A>G on transcript NM_000222.3 (MANE Select); coding-DNA position 746, A replaced by G.
Protein change: p.Glu249Gly; replaces glutamic acid 249 with glycine.
Molecular consequence: missense variant.
Genome position (GRCh38, 1-based): chr4:54,699,756, A>G. VCF-style: chr4-54699756-A-G. GRCh37 (hg19) VCF-style: chr4-55565922-A-G.
Other names: c.746A>G, p.Glu249Gly (NM_001093772.2, NM_001385284.1, NM_001385285.1 and 4 more transcripts); short protein forms E249G.
Identifiers: ClinVar variation 409797 (VCV000409797.14), dbSNP rs1060502571, ClinGen allele CA16611590.